The following is an entry in ClinVar:

NM_000352.6(ABCC8):c.579+9G>A

Gene: ABCC8 (ATP binding cassette subfamily C member 8; minus strand). Cytogenetic location: 11p15.1.
Variant type: single nucleotide variant.
Coding change: c.579+9G>A on transcript NM_000352.6 (MANE Select); 9 bases into the intron after coding-DNA position 579, G replaced by A.
Molecular consequence: intron variant.
Genome position (GRCh38, 1-based): chr11:17,463,429, C>T on the plus strand (G>A on the coding strand, the complement: ABCC8 is on the minus strand). VCF-style: chr11-17463429-C-T. GRCh37 (hg19) VCF-style: chr11-17484976-C-T.
Other names: c.579+9G>A (NM_001351297.2, NM_001351296.2, NM_001351295.2 and 1 more transcripts).
Identifiers: ClinVar variation 754084 (VCV000754084.10), dbSNP rs776165640, ClinGen allele CA5903842.

ClinVar aggregate classification (germline): Conflicting classifications of pathogenicity. Review status: criteria provided, conflicting classifications (1 of 4 stars). 3 submissions from 2 submitters: Uncertain significance (2); Likely benign (1). Last evaluated 2023-11-22.

Conditions:
Transitory neonatal diabetes mellitus. Also called: Transient neonatal diabetes mellitus. Identifiers: MedGen C0342273, MONDO:0020525, HP:0008255.
Maturity-onset diabetes of the young (MODY). Also called: Maturity onset diabetes mellitus in young. Identifiers: Orphanet 552, MedGen C0342276, MONDO:0018911, HP:0004904.

Allele frequency attached by ClinVar (database versions not stated): gnomAD 0.00001; gnomAD exomes 0.00003 and 0.00005; TOPMed 0.00003; ExAC 0.00004.
gnomAD v4.1: 73 of 1,598,934 alleles (0.0046%); highest among the groups gnomAD compares: Non-Finnish European, 0.006%; no homozygotes.

Submissions (3):

Labcorp Genetics (formerly Invitae), Labcorp
Classification: Likely benign. Last evaluated: 2023-11-22. Review status: criteria provided, single submitter. Criteria: Invitae Variant Classification Sherloc (09022015). Collection method: clinical testing. Allele origin: germline.

Clinical Genomics, Uppaluri K&H Personalized Medicine Clinic
Classification: Uncertain significance for Transitory neonatal diabetes mellitus. Review status: criteria provided, single submitter. Criteria: K & H Uppaluri Personalized Medicine Clinic Variant Classification & Assertion Criteria_Updated V.1. Collection method: research. Allele origin: unknown. Inheritance: Somatic mutation.
Comment: Mutations in ABCC8 gene are associated with both neonatal diabetes mellitus as well as MODY. Patients with this mutation may have a better response to sulfonylureas. However, no sufficient evidence is found to ascertain the role of this particular variant (rs776165640) in neonatal diabetes yet.

Clinical Genomics, Uppaluri K&H Personalized Medicine Clinic
Classification: Uncertain significance for Maturity-onset diabetes of the young. Review status: criteria provided, single submitter. Criteria: K & H Uppaluri Personalized Medicine Clinic Variant Classification & Assertion Criteria_Updated V.1. Collection method: research. Allele origin: unknown. Inheritance: Somatic mutation.
Comment: Mutations in ABCC8 gene are associated with both neonatal diabetes mellitus as well as MODY. Patients with this mutation may have a better response to sulfonylureas. However, no sufficient evidence is found to ascertain the role of this particular variant (rs776165640) in MODY yet.

Literature cited by the submitters: PubMed 16885549 (cited by Clinical Genomics, Uppaluri K&H Personalized Medicine Clinic); PubMed 21989597 (cited by Clinical Genomics, Uppaluri K&H Personalized Medicine Clinic); PubMed 27538677 (cited by Clinical Genomics, Uppaluri K&H Personalized Medicine Clinic); PubMed 18981553 (cited by Clinical Genomics, Uppaluri K&H Personalized Medicine Clinic); PubMed 32027066 (cited by Clinical Genomics, Uppaluri K&H Personalized Medicine Clinic); PubMed 16613899 (cited by Clinical Genomics, Uppaluri K&H Personalized Medicine Clinic); PubMed 18025408 (cited by Clinical Genomics, Uppaluri K&H Personalized Medicine Clinic); PubMed 32792356 (cited by Clinical Genomics, Uppaluri K&H Personalized Medicine Clinic).